The following is an entry in ClinVar:

ClinVar aggregate classification (germline): Uncertain significance (1 of 4 stars; one submission).

Conditions:
Autosomal recessive limb-girdle muscular dystrophy type 2L (LGMDR12). Also called: Limb-girdle muscular dystrophy, type 2L; Limb-Girdle Muscular Dystrophy R12 Anoctamin-5-Related (LGMD-R12); MUSCULAR DYSTROPHY, LIMB-GIRDLE, AUTOSOMAL RECESSIVE 12. Identifiers: Orphanet 206549, MedGen C1969785, MONDO:0012652, OMIM 611307.
Gnathodiaphyseal dysplasia (GDD). Also called: OSTEOGENESIS IMPERFECTA WITH UNUSUAL SKELETAL LESIONS; GNATHODIAPHYSEAL SCLEROSIS. Identifiers: Orphanet 53697, MedGen C1833736, MONDO:0008151, OMIM 166260.

Allele frequency attached by ClinVar (database versions not stated): TOPMed below 0.00001; gnomAD 0.00001; gnomAD exomes 0.00001; ExAC 0.00002.
gnomAD v4.1: 7 of 1,602,584 alleles (0.00044%); highest among the groups gnomAD compares: Non-Finnish European, 0.00043%; no homozygotes.

Submission:

Labcorp Genetics (formerly Invitae), Labcorp
Classification: Uncertain significance for Autosomal recessive limb-girdle muscular dystrophy type 2L; Gnathodiaphyseal dysplasia. Last evaluated: 2022-10-05. Review status: criteria provided, single submitter. Criteria: Invitae Variant Classification Sherloc (09022015). Collection method: clinical testing. Allele origin: germline.
Comment: This sequence change replaces glycine, which is neutral and non-polar, with serine, which is neutral and polar, at codon 255 of the ANO5 protein (p.Gly255Ser). This variant is present in population databases (rs778212736, gnomAD 0.002%). This variant has not been reported in the literature in individuals affected with ANO5-related conditions. ClinVar contains an entry for this variant (Variation ID: 845898). Algorithms developed to predict the effect of missense changes on protein structure and function are either unavailable or do not agree on the potential impact of this missense change (SIFT: "Tolerated"; PolyPhen-2: "Probably Damaging"; Align-GVGD: "Class C0"). In summary, the available evidence is currently insufficient to determine the role of this variant in disease. Therefore, it has been classified as a Variant of Uncertain Significance.

NM_213599.3(ANO5):c.763G>A (p.Gly255Ser)

Gene: ANO5 (anoctamin 5; plus strand). Cytogenetic location: 11p14.3.
Variant type: single nucleotide variant.
Coding change: c.763G>A on transcript NM_213599.3 (MANE Select); coding-DNA position 763, G replaced by A.
Protein change: p.Gly255Ser; replaces glycine 255 with serine.
Molecular consequence: missense variant.
Genome position (GRCh38, 1-based): chr11:22,239,569, G>A. VCF-style: chr11-22239569-G-A. GRCh37 (hg19) VCF-style: chr11-22261115-G-A.
Other names: c.760G>A, p.Gly254Ser (NM_001142649.2); short protein forms G255S, G254S.
Identifiers: ClinVar variation 845898 (VCV000845898.10), dbSNP rs778212736, ClinGen allele CA5923030.